The following is an entry in ClinVar:

ClinVar aggregate classification (germline): Uncertain significance. Review status: criteria provided, multiple submitters, no conflicts (2 of 4 stars). 2 submissions from 2 submitters: Uncertain significance (2). Last evaluated 2023-09-22.

Conditions:
Hereditary cancer-predisposing syndrome. Also called: Neoplastic Syndromes, Hereditary; Tumor predisposition; Hereditary Cancer Syndrome; Hereditary neoplastic syndrome. Identifiers: Orphanet 140162, MedGen C0027672, MeSH D009386, MONDO:0015356.

Submissions (2):

Blueprint Genetics
Classification: Uncertain significance. Last evaluated: 2023-09-22. Review status: criteria provided, single submitter. Criteria: ACMG Guidelines, 2015. Collection method: clinical testing. Allele origin: germline.

Ambry Genetics
Classification: Uncertain significance for Hereditary cancer-predisposing syndrome. Last evaluated: 2019-07-18. Review status: criteria provided, single submitter. Criteria: Ambry Variant Classification Scheme 2023. Collection method: clinical testing. Allele origin: germline.
Comment: The p.S769F variant (also known as c.2306C>T), located in coding exon 14 of the PMS2 gene, results from a C to T substitution at nucleotide position 2306. The serine at codon 769 is replaced by phenylalanine, an amino acid with highly dissimilar properties. This amino acid position is highly conserved in available vertebrate species. In addition, this alteration is predicted to be deleterious by in silico analysis. Since supporting evidence is limited at this time, the clinical significance of this alteration remains unclear.

NM_000535.7(PMS2):c.2306C>T (p.Ser769Phe)

Gene: PMS2 (PMS1 homolog 2, mismatch repair system component; minus strand). Cytogenetic location: 7p22.1.
Variant type: single nucleotide variant.
Coding change: c.2306C>T on transcript NM_000535.7 (MANE Select); coding-DNA position 2306, C replaced by T.
Protein change: p.Ser769Phe; replaces serine 769 with phenylalanine.
Molecular consequence: missense variant.
Genome position (GRCh38, 1-based): chr7:5,977,727, G>A on the plus strand (C>T on the coding strand, the complement: PMS2 is on the minus strand). VCF-style: chr7-5977727-G-A. GRCh37 (hg19) VCF-style: chr7-6017358-G-A.
Other names: c.1901C>T, p.Ser634Phe (NM_001322003.2, NM_001322004.2, NM_001322005.2); c.2150C>T, p.Ser717Phe (NM_001322006.2); c.1988C>T, p.Ser663Phe (NM_001322007.2, NM_001322008.2); c.1934C>T, p.Ser645Phe (NM_001322009.2); c.1745C>T, p.Ser582Phe (NM_001322010.2); c.1373C>T, p.Ser458Phe (NM_001322011.2, NM_001322012.2); c.1733C>T, p.Ser578Phe (NM_001322013.2); c.2339C>T, p.Ser780Phe (NM_001322014.2); and 1 more; short protein forms S769F, S582F, S663F, S717F, S458F, S578F, S634F, S645F.
Identifiers: ClinVar variation 821007 (VCV000821007.5), dbSNP rs1583281407, ClinGen allele CA366736064.